The following is an entry in ClinVar:

ClinVar aggregate classification (germline): Pathogenic. Review status: criteria provided, multiple submitters, no conflicts (2 of 4 stars). 4 submissions from 4 submitters: Pathogenic (2). 2 of the submissions do not count toward it. Last evaluated 2026-04-06.

Conditions:
Holoprosencephaly 2 (HPE2). Identifiers: Orphanet 2162, MedGen C1834877, MONDO:0007999, OMIM 157170.

Submissions (4):

GeneDx
Classification: Pathogenic. Last evaluated: 2026-04-06. Review status: criteria provided, single submitter. Criteria: GeneDx Variant Classification Process June 2021. Collection method: clinical testing. Allele origin: germline.
Comment: Published functional studies demonstrate that the V250A variant resulted in decreased NOR1 promotor activation, as well as decreased protein levels on Western blot (PMID: 15523651); Not observed at significant frequency in large population cohorts (gnomAD); In silico analysis supports that this missense variant has a deleterious effect on protein structure/function; This variant is associated with the following publications: (PMID: 18791198, 19346217, 10369266, 15523651)

New York Genome Center
Classification: Pathogenic for Holoprosencephaly 2. Last evaluated: 2021-05-20. Review status: criteria provided, single submitter. Criteria: NYGC Assertion Criteria 2020. Collection method: clinical testing. Allele origin: inherited. Observed: 1 heterozygote. Study: CSER-NYCKidSeq.
Comment: The inherited missense heterozygous variant c.749T>C, p.Val250Ala, identified SIX1 has been reported with the variability of penetrance in multiple individuals and families with holoprosencephaly (PMID:10369266; PMID:15523651; PMID:19346217). This variant is not reported in the gnomAD v3.1 database, indicatinga rare allele, and in silico tools predict a deleterious effect. Functional studies demonstrated that this mutation resulted in the production of a highly unstable proteinin Neuro-2a cells (PMID:15523651). Based on the available evidence, the variant c.749T>C, p.Val250Ala in the SIX3 gene is classified as pathogenic.

GeneReviews
Classification: Pathogenic for Holoprosencephaly. Last evaluated: 2013-08-29. Review status: no assertion criteria provided. Collection method: curation. Allele origin: unknown. Not counted in ClinVar's aggregate classification.
ClinVar note: Converted during submission from pathologic to Pathogenic.

OMIM
Classification: Pathogenic for HOLOPROSENCEPHALY 2. Last evaluated: 2004-12-01. Review status: no assertion criteria provided. Collection method: literature only. Allele origin: germline. Not counted in ClinVar's aggregate classification.

Literature cited by the submitters: PubMed 10369266 (cited by New York Genome Center and OMIM); PubMed 15523651 (cited by New York Genome Center and OMIM); PubMed 19346217 (cited by New York Genome Center).

NM_005413.4(SIX3):c.749T>C (p.Val250Ala)

Gene: SIX3 (SIX homeobox 3; plus strand). Cytogenetic location: 2p21.
Variant type: single nucleotide variant.
Coding change: c.749T>C on transcript NM_005413.4 (MANE Select); coding-DNA position 749, T replaced by C.
Protein change: p.Val250Ala; replaces valine 250 with alanine.
Molecular consequence: missense variant.
Genome position (GRCh38, 1-based): chr2:44,942,853, T>C. VCF-style: chr2-44942853-T-C. GRCh37 (hg19) VCF-style: chr2-45169992-T-C.
Other names: 749T>C; c.749T>C (NM_005413.3); short protein forms V250A.
Identifiers: ClinVar variation 6095 (VCV000006095.5), dbSNP rs121917880, ClinGen allele CA340521.